The following is an entry in ClinVar:

NM_000059.4(BRCA2):c.7464_7465insTA (p.Asp2489Ter)

Gene: BRCA2 (BRCA2 DNA repair associated; plus strand). Cytogenetic location: 13q13.1.
Variant type: Insertion.
Coding change: c.7464_7465insTA on transcript NM_000059.4 (MANE Select); coding-DNA positions 7464 to 7465, TA inserted.
Protein change: p.Asp2489Ter; replaces aspartic acid 2489 with a stop codon.
Molecular consequence: nonsense.
Genome position: GRCh38 VCF-style: chr13-32356455-G-GAT. GRCh37 (hg19) VCF-style: chr13-32930592-G-GAT.
Other names: short protein forms D2489*.
Identifiers: ClinVar variation 254605 (VCV000254605.4), dbSNP rs886038169, ClinGen allele CA10586575.

ClinVar aggregate classification (germline): Pathogenic. Review status: reviewed by expert panel (3 of 4 stars). 2 submissions from 2 submitters: Pathogenic (1). 1 of the submissions does not count toward it. Last evaluated 2016-09-08.

Conditions:
Fanconi anemia complementation group D1. Also called: BRCA2-Related Fanconi Anemia. Identifiers: Orphanet 319462, MedGen C1838457, MONDO:0011584, OMIM 605724.
Breast-ovarian cancer, familial, susceptibility to, 2 (BROVCA2). Also called: BRCA2 Hereditary Breast and Ovarian Cancer. Identifiers: Orphanet 145, MedGen C2675520, MONDO:0012933, OMIM 612555. Disease mechanism: loss of function.

Submissions (2):

Evidence-based Network for the Interpretation of Germline Mutant Alleles (ENIGMA)
Classification: Pathogenic for Breast-ovarian cancer, familial, susceptibility to, 2. Last evaluated: 2016-09-08. Review status: reviewed by expert panel. Criteria: ENIGMA BRCA1/2 Classification Criteria (2015). Collection method: curation. Allele origin: germline.
Comment: Variant allele predicted to encode a truncated non-functional protein.

OMIM
Classification: Pathogenic for FANCONI ANEMIA, COMPLEMENTATION GROUP D1. Last evaluated: 2002-07-26. Review status: no assertion criteria provided. Collection method: literature only. Allele origin: germline. Not counted in ClinVar's aggregate classification.

Literature cited by the submitters: PubMed 12065746 (cited by OMIM).